The following is an entry in ClinVar:

NM_003238.6(TGFB2):c.745A>C (p.Arg249=)

Gene: TGFB2 (transforming growth factor beta 2; plus strand). Cytogenetic location: 1q41.
Variant type: single nucleotide variant.
Coding change: c.745A>C on transcript NM_003238.6 (MANE Select); coding-DNA position 745, A replaced by C.
Protein change: p.Arg249=; no amino-acid change (arginine 249 retained).
Molecular consequence: synonymous variant. On other transcripts: non-coding transcript variant (2).
Genome position (GRCh38, 1-based): chr1:218,434,439, A>C. VCF-style: chr1-218434439-A-C. GRCh37 (hg19) VCF-style: chr1-218607781-A-C.
Other names: c.829A>C, p.Arg277= (NM_001135599.4); c.745A>C (NM_003238.4).
Identifiers: ClinVar variation 1121650 (VCV001121650.53), dbSNP rs201845761, ClinGen allele CA1398589.

ClinVar aggregate classification (germline): Likely benign. Review status: criteria provided, multiple submitters, no conflicts (2 of 4 stars). 3 submissions from 3 submitters: Likely benign (2). 1 of the submissions does not count toward it. Last evaluated 2025-07-13.

Conditions:
Familial thoracic aortic aneurysm and aortic dissection (TAAD). Also called: Thoracic aortic aneurysms and dissections. Identifiers: Orphanet 91387, MedGen C4707243, MONDO:0019625.
TGFB2-related disorder. Also called: TGFB2-related condition.
Loeys-Dietz syndrome 4 (LDS4). Also called: ANEURYSM, AORTIC AND CEREBRAL, WITH ARTERIAL TORTUOSITY AND SKELETAL MANIFESTATIONS; TGFB2-Related Loeys-Dietz Syndrome. Identifiers: MedGen C3553762, MONDO:0013897, OMIM 614816.

Allele frequency attached by ClinVar (database versions not stated): gnomAD exomes 0.00004; TOPMed 0.00004; gnomAD 0.00003; ExAC 0.00006; 1000 Genomes Project 30x 0.00016; 1000 Genomes Project 0.00020.
gnomAD v4.1: 28 of 1,611,142 alleles (0.0017%); highest among the groups gnomAD compares: Non-Finnish European, 0.0021%; no homozygotes.

Submissions (3):

Labcorp Genetics (formerly Invitae), Labcorp
Classification: Likely benign for Loeys-Dietz syndrome 4. Last evaluated: 2025-07-13. Review status: criteria provided, single submitter. Criteria: Invitae Variant Classification Sherloc (09022015). Collection method: clinical testing. Allele origin: germline.

Ambry Genetics
Classification: Likely benign for Familial thoracic aortic aneurysm and aortic dissection. Last evaluated: 2022-09-19. Review status: criteria provided, single submitter. Criteria: Ambry Variant Classification Scheme 2023. Collection method: clinical testing. Allele origin: germline.

PreventionGenetics, part of Exact Sciences
Classification: Likely benign for TGFB2-related condition. Last evaluated: 2023-12-01. Review status: no assertion criteria provided. Collection method: clinical testing. Allele origin: germline. Not counted in ClinVar's aggregate classification.
Comment: This variant is classified as likely benign based on ACMG/AMP sequence variant interpretation guidelines (Richards et al. 2015 PMID: 25741868, with internal and published modifications).